The following is an entry in ClinVar:

ClinVar aggregate classification (germline): Uncertain significance (1 of 4 stars; one submission).

Submission:

Women's Health and Genetics/Laboratory Corporation of America, LabCorp
Classification: Uncertain significance. Last evaluated: 2024-05-24. Review status: criteria provided, single submitter. Criteria: LabCorp Variant Classification Summary - May 2015. Collection method: clinical testing. Allele origin: germline.
Comment: Variant summary: The variant involves the deletion of exons 1-28 in the SCN3A gene. A presumed nomenclature of c.(?_-476)_(*2625_?)del has been designated for the purposes of this classification. This deletion includes the entire coding sequence of the gene. As the exact proximal and distal breakpoints are unknown, it may extend beyond the annotated region of the gene to include other flanking genes. Loss-of-function of SCN3A has not been established as disease mechanism. The variant was absent in 21692 control chromosomes (gnomAD SVs database v2). The available data on variant occurrences in the general population are insufficient to allow any conclusion about variant significance. To our knowledge, no occurrence of c.(?_-476)_(*2625_?)del in individuals affected with SCN3A-Related Disorders and no experimental evidence demonstrating its impact on protein function have been reported. No submitters have cited clinical-significance assessments for this variant to ClinVar. Based on the evidence outlined above, the variant was classified as uncertain significance.

NC_000002.11:g.(?_165944035)_(166060561_?)del

Gene: SCN3A (sodium voltage-gated channel alpha subunit 3; minus strand). Cytogenetic location: 2q24.3.
Variant type: Deletion.
Identifiers: ClinVar variation 3336395 (VCV003336395.1).